The following is an entry in ClinVar:

NM_001042492.3(NF1):c.1149C>A (p.Cys383Ter)

Gene: NF1 (neurofibromin 1; plus strand). Cytogenetic location: 17q11.2.
Variant type: single nucleotide variant.
Coding change: c.1149C>A on transcript NM_001042492.3 (MANE Select); coding-DNA position 1149, C replaced by A.
Protein change: p.Cys383Ter; replaces cysteine 383 with a stop codon.
Molecular consequence: nonsense.
Genome position (GRCh38, 1-based): chr17:31,201,123, C>A. VCF-style: chr17-31201123-C-A. GRCh37 (hg19) VCF-style: chr17-29528141-C-A.
Other names: c.1149C>A, p.Cys383Ter (NM_000267.4, NM_001128147.3); short protein forms C383*.
Identifiers: ClinVar variation 3338873 (VCV003338873.2).

ClinVar aggregate classification (germline): Pathogenic. Review status: criteria provided, multiple submitters, no conflicts (2 of 4 stars). 2 submissions from 2 submitters: Pathogenic (2). Last evaluated 2024-02-29.

Conditions:
NF1-related disorder. Also called: NF1-related condition. Identifiers: MedGen CN379171.

Submissions (2):

Blueprint Genetics
Classification: Pathogenic for NF1-related disorders. Last evaluated: 2024-02-29. Review status: criteria provided, single submitter. Criteria: ACMG Guidelines, 2015. Collection method: clinical testing. Allele origin: germline. Affected: yes. Observed: 1 variant allele.

GeneDx
Classification: Pathogenic. Last evaluated: 2023-11-10. Review status: criteria provided, single submitter. Criteria: GeneDx Variant Classification Process June 2021. Collection method: clinical testing. Allele origin: germline. Affected: yes.
Comment: Nonsense variant predicted to result in protein truncation or nonsense mediated decay in a gene for which loss of function is a known mechanism of disease; Not observed at significant frequency in large population cohorts (gnomAD); This variant is associated with the following publications: (PMID: 23656349, 28955729)